The following is an entry in ClinVar:

ClinVar aggregate classification (germline): Conflicting classifications of pathogenicity. Review status: criteria provided, conflicting classifications (1 of 4 stars). 3 submissions from 3 submitters: Uncertain significance (1); Likely benign (2). Last evaluated 2025-08-02.

Conditions:
Cardiovascular phenotype. Identifiers: MedGen CN230736.
Noonan syndrome 9 (NS9). Identifiers: Orphanet 648, MedGen C4225282, MONDO:0014691, OMIM 616559.

Allele frequency attached by ClinVar (database versions not stated): ExAC 0.00001; gnomAD exomes 0.00001; gnomAD 0.00003; TOPMed 0.00003.
gnomAD v4.1: 23 of 1,573,666 alleles (0.0015%); highest among the groups gnomAD compares: Non-Finnish European, 0.0019%; no homozygotes.

Submissions (3):

Labcorp Genetics (formerly Invitae), Labcorp
Classification: Likely benign for Noonan syndrome 9. Last evaluated: 2025-08-02. Review status: criteria provided, single submitter. Criteria: Invitae Variant Classification Sherloc (09022015). Collection method: clinical testing. Allele origin: germline.

Ambry Genetics
Classification: Uncertain significance for Cardiovascular phenotype. Last evaluated: 2025-04-10. Review status: criteria provided, single submitter. Criteria: Ambry Variant Classification Scheme 2023. Collection method: clinical testing. Allele origin: germline.
Comment: The p.N993I variant (also known as c.2978A>T), located in coding exon 19 of the SOS2 gene, results from an A to T substitution at nucleotide position 2978. The asparagine at codon 993 is replaced by isoleucine, an amino acid with dissimilar properties. This amino acid position is conserved. In addition, the in silico prediction for this alteration is inconclusive. Since supporting evidence is limited at this time, the clinical significance of this alteration remains unclear.

GeneDx
Classification: Likely benign. Last evaluated: 2020-05-01. Review status: criteria provided, single submitter. Criteria: GeneDx Variant Classification Process June 2021. Collection method: clinical testing. Allele origin: germline. Affected: yes.
Comment: In silico analysis supports that this missense variant has a deleterious effect on protein structure/function; Has not been previously published as pathogenic or benign to our knowledge

NM_006939.4(SOS2):c.2978A>T (p.Asn993Ile)

Gene: SOS2 (SOS Ras/Rho guanine nucleotide exchange factor 2; minus strand). Cytogenetic location: 14q21.3.
Variant type: single nucleotide variant.
Coding change: c.2978A>T on transcript NM_006939.4 (MANE Select); coding-DNA position 2978, A replaced by T.
Protein change: p.Asn993Ile; replaces asparagine 993 with isoleucine.
Molecular consequence: missense variant.
Genome position (GRCh38, 1-based): chr14:50,134,220, T>A on the plus strand (A>T on the coding strand, the complement: SOS2 is on the minus strand). VCF-style: chr14-50134220-T-A. GRCh37 (hg19) VCF-style: chr14-50600938-T-A.
Other names: short protein forms N993I.
Identifiers: ClinVar variation 280923 (VCV000280923.12), dbSNP rs776000121, ClinGen allele CA7176895.